The following is an entry in ClinVar:

NM_003480.4(MFAP5):c.91G>A (p.Gly31Arg)

Gene: MFAP5 (microfibril associated protein 5; minus strand). Cytogenetic location: 12p13.31.
Variant type: single nucleotide variant.
Coding change: c.91G>A on transcript NM_003480.4 (MANE Select); coding-DNA position 91, G replaced by A.
Protein change: p.Gly31Arg; replaces glycine 31 with arginine.
Molecular consequence: missense variant. On other transcripts: non-coding transcript variant (2), intron variant (1).
Genome position (GRCh38, 1-based): chr12:8,660,866, C>T on the plus strand (G>A on the coding strand, the complement: MFAP5 is on the minus strand). VCF-style: chr12-8660866-C-T. GRCh37 (hg19) VCF-style: chr12-8813462-C-T.
Other names: c.91G>A (NM_003480.2); c.91G>A, p.Gly31Arg (NM_001297709.2, NM_001297711.2, NM_001297712.2); c.58+1181G>A (NM_001297710.2); short protein forms G31R.
Identifiers: ClinVar variation 1963632 (VCV001963632.6), dbSNP rs752193471, ClinGen allele CA6434771.
Genomic context (GRCh38, chr12:8,660,866, plus strand): 5'-CATCTAAATTTTCCTGATAAGAACCCCAACAGAGCCGCTATCCAAGGGTTCACCTACCTC[C>T]TCGTTGACTATTGACCCCCAGGGGTATCCAGTCTATAGCAAAGGAAGAGAAAAGAGATGT-3'
Protein context (NP_003471.1, residues 21-41): WIPLGVNSQR[Gly31Arg]DDVTQATPET

ClinVar aggregate classification (germline): Uncertain significance. Review status: criteria provided, multiple submitters, no conflicts (2 of 4 stars). 2 submissions from 2 submitters: Uncertain significance (2). Last evaluated 2025-01-23.

Conditions:
Cardiovascular phenotype. Identifiers: MedGen CN230736.

Allele frequency attached by ClinVar (database versions not stated): gnomAD exomes 0.00001; ExAC 0.00002.
gnomAD v4.1: 8 of 1,612,444 alleles (0.0005%); highest among the groups gnomAD compares: Non-Finnish European, 0.00068%; no homozygotes.

Submissions (2):

Labcorp Genetics (formerly Invitae), Labcorp
Classification: Uncertain significance. Last evaluated: 2025-01-23. Review status: criteria provided, single submitter. Criteria: Invitae Variant Classification Sherloc (09022015). Collection method: clinical testing. Allele origin: germline.
Comment: This sequence change replaces glycine, which is neutral and non-polar, with arginine, which is basic and polar, at codon 31 of the MFAP5 protein (p.Gly31Arg). This variant is present in population databases (rs752193471, gnomAD 0.002%). This variant has not been reported in the literature in individuals affected with MFAP5-related conditions. ClinVar contains an entry for this variant (Variation ID: 1963632). An algorithm developed to predict the effect of missense changes on protein structure and function (PolyPhen-2) suggests that this variant is likely to be disruptive. In summary, the available evidence is currently insufficient to determine the role of this variant in disease. Therefore, it has been classified as a Variant of Uncertain Significance.

Ambry Genetics
Classification: Uncertain significance for Cardiovascular phenotype. Last evaluated: 2024-10-27. Review status: criteria provided, single submitter. Criteria: Ambry Variant Classification Scheme 2023. Collection method: clinical testing. Allele origin: germline.
Comment: The p.G31R variant (also known as c.91G>A), located in coding exon 2 of the MFAP5 gene, results from a G to A substitution at nucleotide position 91. The glycine at codon 31 is replaced by arginine, an amino acid with dissimilar properties. This amino acid position is conserved. In addition, this alteration is predicted to be tolerated by in silico analysis. Based on the available evidence, the clinical significance of this variant remains unclear.